The following is an entry in ClinVar:

ClinVar aggregate classification (germline): Pathogenic. Review status: reviewed by expert panel (3 of 4 stars). 9 submissions from 9 submitters: Pathogenic (1). 8 of the submissions do not count toward it. Last evaluated 2016-09-08.

Conditions:
Fanconi anemia, complementation group S (FANCS). Identifiers: MedGen C4554406, MONDO:0054748, OMIM 617883.
Hereditary cancer-predisposing syndrome. Also called: Hereditary Cancer Syndrome; Tumor predisposition; Neoplastic Syndromes, Hereditary; Hereditary neoplastic syndrome. Identifiers: Orphanet 140162, MedGen C0027672, MeSH D009386, MONDO:0015356.
Hereditary breast ovarian cancer syndrome. Also called: Breast and ovarian cancer; BRCA1- and BRCA2-Associated Hereditary Breast and Ovarian Cancer; Hereditary breast and ovarian cancer; Hereditary breast and ovarian cancer syndrome (HBOC); Hereditary breast and ovarian cancer syndrome; Hereditary breast and/or ovarian cancer syndrome. Identifiers: Orphanet 145, MedGen C0677776, MeSH D061325, MONDO:0003582. Disease mechanism: loss of function.
Breast-ovarian cancer, familial, susceptibility to, 1 (BROVCA1). Also called: BRCA1 Hereditary Breast and Ovarian Cancer; OVARIAN CANCER, SUSCEPTIBILITY TO. Identifiers: Orphanet 145, MedGen C2676676, MONDO:0011450, OMIM 604370. Disease mechanism: loss of function.

Submissions (9):

Evidence-based Network for the Interpretation of Germline Mutant Alleles (ENIGMA)
Classification: Pathogenic for Breast-ovarian cancer, familial, susceptibility to, 1. Last evaluated: 2016-09-08. Review status: reviewed by expert panel. Criteria: ENIGMA BRCA1/2 Classification Criteria (2015). Collection method: curation. Allele origin: germline.
Comment: Variant allele predicted to encode a truncated non-functional protein.

CeGaT Center for Human Genetics Tuebingen
Classification: Pathogenic. Last evaluated: 2025-02-01. Review status: criteria provided, single submitter. Criteria: CeGaT Center For Human Genetics Tuebingen Variant Classification Criteria Version 2. Collection method: clinical testing. Allele origin: germline. Affected: yes. Observed: 1 variant allele. Not counted in ClinVar's aggregate classification.
Comment: BRCA1: PVS1, PM2, PS4:Moderate

Ambry Genetics
Classification: Pathogenic for Hereditary cancer-predisposing syndrome. Last evaluated: 2024-09-09. Review status: criteria provided, single submitter. Criteria: Ambry Variant Classification Scheme 2023. Collection method: clinical testing. Allele origin: germline. Not counted in ClinVar's aggregate classification.
Comment: The p.E418* pathogenic mutation (also known as c.1252G>T), located in coding exon 9 of the BRCA1 gene, results from a G to T substitution at nucleotide position 1252. This changes the amino acid from a glutamic acid to a stop codon within coding exon 9. This mutation has also been identified in a Chinese breast cancer cohort (Sun J et al. Clin Cancer Res. 2017 Oct 15;23(20):6113-6119). This variant is considered to be rare based on population cohorts in the Genome Aggregation Database (gnomAD). In addition to the clinical data presented in the literature, this alteration is expected to result in loss of function by premature protein truncation or nonsense-mediated mRNA decay. As such, this alteration is interpreted as a disease-causing mutation.

Labcorp Genetics (formerly Invitae), Labcorp
Classification: Pathogenic for Hereditary breast ovarian cancer syndrome. Last evaluated: 2024-08-03. Review status: criteria provided, single submitter. Criteria: Invitae Variant Classification Sherloc (09022015). Collection method: clinical testing. Allele origin: germline. Not counted in ClinVar's aggregate classification.
Comment: This sequence change creates a premature translational stop signal (p.Glu418*) in the BRCA1 gene. It is expected to result in an absent or disrupted protein product. Loss-of-function variants in BRCA1 are known to be pathogenic (PMID: 20104584). This variant is not present in population databases (gnomAD no frequency). This premature translational stop signal has been observed in individual(s) with breast cancer and/or ovarian cancer (PMID: 22366370, 28724667, 29446198, 30702160). ClinVar contains an entry for this variant (Variation ID: 54176). For these reasons, this variant has been classified as Pathogenic.

Color Diagnostics, LLC DBA Color Health
Classification: Pathogenic for Hereditary cancer-predisposing syndrome. Last evaluated: 2020-05-07. Review status: criteria provided, single submitter. Criteria: ACMG Guidelines, 2015. Collection method: clinical testing. Allele origin: germline. Not counted in ClinVar's aggregate classification.
Comment: This variant changes 1 nucleotide in exon 10 of the BRCA1 gene, creating a premature translation stop signal. This variant is expected to result in an absent or non-functional protein product. This variant has been reported in an individual affected with breast cancer (PMID: 22366370). This variant has not been identified in the general population by the Genome Aggregation Database (gnomAD). Loss of BRCA1 function is a known mechanism of disease. Based on the available evidence, this variant is classified as Pathogenic.

Department of Pathology and Laboratory Medicine, Sinai Health System
Classification: Pathogenic for Fanconi anemia, complementation group S. Last evaluated: 2019-11-27. Review status: criteria provided, single submitter. Criteria: ACMG Guidelines, 2015. Collection method: clinical testing. Allele origin: germline. Affected: no. Not counted in ClinVar's aggregate classification.

Consortium of Investigators of Modifiers of BRCA1/2 (CIMBA), c/o University of Cambridge
Classification: Pathogenic for Breast-ovarian cancer, familial, susceptibility to, 1. Last evaluated: 2015-10-02. Review status: criteria provided, single submitter. Criteria: CIMBA Mutation Classification guidelines May 2016. Collection method: clinical testing. Allele origin: germline. Not counted in ClinVar's aggregate classification.

BRCAlab, Lund University
Classification: Pathogenic for Breast-ovarian cancer, familial, susceptibility to, 1. Last evaluated: 2022-08-26. Review status: no assertion criteria provided. Collection method: clinical testing. Allele origin: germline. Affected: yes. Not counted in ClinVar's aggregate classification.

Breast Cancer Information Core (BIC) (BRCA1)
Classification: Pathogenic for Breast-ovarian cancer, familial 1. Last evaluated: 1998-03-04. Review status: no assertion criteria provided. Collection method: clinical testing. Allele origin: germline. Affected: yes. Observed: 3 variant alleles. Not counted in ClinVar's aggregate classification.

Literature cited by the submitters: PubMed 22366370 (cited by 3 submitters); PubMed 20104584 (cited by Labcorp Genetics (formerly Invitae), Labcorp); PubMed 28724667 (cited by Labcorp Genetics (formerly Invitae), Labcorp); PubMed 29446198 (cited by Labcorp Genetics (formerly Invitae), Labcorp); PubMed 30702160 (cited by Labcorp Genetics (formerly Invitae), Labcorp).

NM_007294.4(BRCA1):c.1252G>T (p.Glu418Ter)

Gene: BRCA1 (BRCA1 DNA repair associated; minus strand). Cytogenetic location: 17q21.31.
Variant type: single nucleotide variant.
Coding change: c.1252G>T on transcript NM_007294.4 (MANE Select); coding-DNA position 1252, G replaced by T.
Protein change: p.Glu418Ter; replaces glutamic acid 418 with a stop codon.
Molecular consequence: nonsense. On other transcripts: intron variant (137).
Genome position (GRCh38, 1-based): chr17:43,094,279, C>A on the plus strand (G>T on the coding strand, the complement: BRCA1 is on the minus strand). VCF-style: chr17-43094279-C-A. GRCh37 (hg19) VCF-style: chr17-41246296-C-A.
Other names: c.787+465G>T (NM_001407970.1, NM_001407980.1, NM_001407993.1 and 19 more transcripts); c.1039G>T, p.Glu347Ter (NM_001407571.1, NM_001407915.1, NM_001407916.1 and 9 more transcripts); c.1252G>T, p.Glu418Ter (NM_001407581.1, NM_001407582.1, NM_001407583.1 and 30 more transcripts); c.1249G>T, p.Glu417Ter (NM_001407587.1, NM_001407590.1, NM_001407591.1 and 22 more transcripts); c.1174G>T, p.Glu392Ter (NM_001407654.1, NM_001407655.1, NM_001407656.1 and 4 more transcripts); c.1171G>T, p.Glu391Ter (NM_001407659.1, NM_001407660.1, NM_001407661.1 and 1 more transcripts); c.1126G>T, p.Glu376Ter (NM_001407673.1, NM_001407649.1, NM_001407670.1 and 11 more transcripts); c.1129G>T, p.Glu377Ter (NM_001407674.1, NM_001407675.1, NM_001407676.1 and 19 more transcripts); and 40 more; short protein forms E418*, E371*, E122*, E290*, E391*, E291*, E329*, E350*.
Identifiers: ClinVar variation 54176 (VCV000054176.50), dbSNP rs80357083, ClinGen allele CA000825.
Genomic context (GRCh38, chr17:43,094,279, plus strand): 5'-CATGAGGATCACTGGCCAGTAAGTCTATTTTCTCTGAAGAACCAGAATATTCATCTACCT[C>A]ATTTAGAACGTCCAATACATCAGCTACTTTGGCATTTGATTCAGACTCCCCATCATGTGA-3'